The following is an entry in ClinVar:

ClinVar aggregate classification (germline): Uncertain significance. Review status: criteria provided, multiple submitters, no conflicts (2 of 4 stars). 6 submissions from 6 submitters: Uncertain significance (5). 1 of the submissions does not count toward it. Last evaluated 2026-07-13.

Conditions:
DPYD-related disorder. Also called: DPYD-related condition.
Dihydropyrimidine dehydrogenase deficiency (DPYDD). Also called: Hereditary Thymine-Uraciluria; DPD DEFICIENCY; DPYD DEFICIENCY. Identifiers: Orphanet 1675, MedGen C1959620, MONDO:0010130, OMIM 274270.

Allele frequency attached by ClinVar (database versions not stated): TOPMed 0.00068; 1000 Genomes Project 30x 0.00094; ESP Exome Variant Server 0.00046; 1000 Genomes Project 0.00080.
gnomAD v4.1: 196 of 1,613,396 alleles (0.012%); highest among the groups gnomAD compares: African/African-American, 0.21%; no homozygotes.

Submissions (6):

GeneDx
Classification: Uncertain significance. Last evaluated: 2026-07-13. Review status: criteria provided, single submitter. Criteria: GeneDx Variant Classification Process June 2021. Collection method: clinical testing. Allele origin: germline.
Comment: Published functional studies demonstrate no damaging effect (PMID: 24648345); In silico analysis supports that this missense variant has a deleterious effect on protein structure/function; This variant is associated with the following publications: (PMID: 32707991, 32973300, 36094413, 24648345)

Genome-Nilou Lab
Classification: Uncertain significance for Dihydropyrimidine dehydrogenase deficiency. Last evaluated: 2023-04-11. Review status: criteria provided, single submitter. Criteria: ACMG Guidelines, 2015. Collection method: clinical testing. Allele origin: germline. Affected: no.

Fulgent Genetics
Classification: Uncertain significance for Dihydropyrimidine dehydrogenase deficiency. Last evaluated: 2021-08-11. Review status: criteria provided, single submitter. Criteria: ACMG Guidelines, 2015. Collection method: clinical testing. Allele origin: unknown.

Illumina Laboratory Services, Illumina
Classification: Uncertain significance for Dihydropyrimidine dehydrogenase deficiency. Last evaluated: 2017-11-16. Review status: criteria provided, single submitter. Criteria: ICSL Variant Classification Criteria 13 December 2019. Collection method: clinical testing. Allele origin: germline.
Comment: This variant was observed as part of a predisposition screen in an ostensibly healthy population. A literature search was performed for the gene, cDNA change, and amino acid change (where applicable). Publications were found based on this search. However, the evidence from the literature, in combination with allele frequency data from public databases where available, was not sufficient to rule this variant in or out of causing disease. Therefore, this variant is classified as a variant of unknown significance.

Breakthrough Genomics
Classification: Uncertain significance. Review status: criteria provided, single submitter. Criteria: ACMG Guidelines, 2015. Collection method: not provided. Allele origin: germline. Inheritance: Autosomal recessive inheritance. Affected: yes.

PreventionGenetics, part of Exact Sciences
Classification: Likely benign for DPYD-related condition. Last evaluated: 2022-04-28. Review status: no assertion criteria provided. Collection method: clinical testing. Allele origin: germline. Not counted in ClinVar's aggregate classification.
Comment: This variant is classified as likely benign based on ACMG/AMP sequence variant interpretation guidelines (Richards et al. 2015 PMID: 25741868, with internal and published modifications).

Literature cited by the submitters: PubMed 24648345 (cited by Illumina Laboratory Services, Illumina).

NM_000110.4(DPYD):c.1349C>T (p.Ala450Val)

Gene: DPYD (dihydropyrimidine dehydrogenase; minus strand). Cytogenetic location: 1p21.3.
Variant type: single nucleotide variant.
Coding change: c.1349C>T on transcript NM_000110.4 (MANE Select); coding-DNA position 1349, C replaced by T.
Protein change: p.Ala450Val; replaces alanine 450 with valine.
Molecular consequence: missense variant.
Genome position (GRCh38, 1-based): chr1:97,549,735, G>A on the plus strand (C>T on the coding strand, the complement: DPYD is on the minus strand). VCF-style: chr1-97549735-G-A. GRCh37 (hg19) VCF-style: chr1-98015291-G-A.
Other names: short protein forms A450V.
Identifiers: ClinVar variation 876977 (VCV000876977.11), dbSNP rs72975710, ClinGen allele CA963357.
Genomic context (GRCh38, chr1:97,549,735, plus strand): 5'-TGCATAGTTTCTGGATCTACTTCTGGGAGACCCCATCTGTTAAATTTTATAGGGCTCAAG[G>A]CTTCTTTTACTGAAAAAACAAGTGAAAAACAATAGACAATCACTAGTCAACAGACAATTC-3'
Protein context (NP_000101.2, residues 440-460): SVLSDPKVKE[Ala450Val]LSPIKFNRWG